The following is an entry in ClinVar:

ClinVar aggregate classification (germline): Uncertain significance (1 of 4 stars; one submission).

Allele frequency attached by ClinVar (database versions not stated): gnomAD exomes below 0.00001.

Submission:

Labcorp Genetics (formerly Invitae), Labcorp
Classification: Uncertain significance. Last evaluated: 2023-08-24. Review status: criteria provided, single submitter. Criteria: Invitae Variant Classification Sherloc (09022015). Collection method: clinical testing. Allele origin: germline.
Comment: This sequence change replaces proline, which is neutral and non-polar, with serine, which is neutral and polar, at codon 1296 of the ARID1A protein (p.Pro1296Ser). This variant is not present in population databases (gnomAD no frequency). This variant has not been reported in the literature in individuals affected with ARID1A-related conditions. ClinVar contains an entry for this variant (Variation ID: 2061181). Advanced modeling of protein sequence and biophysical properties (such as structural, functional, and spatial information, amino acid conservation, physicochemical variation, residue mobility, and thermodynamic stability) has been performed at Invitae for this missense variant, however the output from this modeling did not meet the statistical confidence thresholds required to predict the impact of this variant on ARID1A protein function. In summary, the available evidence is currently insufficient to determine the role of this variant in disease. Therefore, it has been classified as a Variant of Uncertain Significance.

NM_006015.6(ARID1A):c.3886C>T (p.Pro1296Ser)

Gene: ARID1A (AT-rich interaction domain 1A; plus strand). Cytogenetic location: 1p36.11.
Variant type: single nucleotide variant.
Coding change: c.3886C>T on transcript NM_006015.6 (MANE Select); coding-DNA position 3886, C replaced by T.
Protein change: p.Pro1296Ser; replaces proline 1296 with serine.
Molecular consequence: missense variant.
Genome position (GRCh38, 1-based): chr1:26,773,599, C>T. VCF-style: chr1-26773599-C-T. GRCh37 (hg19) VCF-style: chr1-27100090-C-T.
Other names: c.3886C>T, p.Pro1296Ser (NM_139135.4); short protein forms P1296S.
Identifiers: ClinVar variation 2061181 (VCV002061181.4), dbSNP rs2124112595, ClinGen allele CA339170643.